The following is an entry in ClinVar:

ClinVar aggregate classification (germline): Pathogenic (1 of 4 stars; one submission).

Conditions:
Hereditary cancer-predisposing syndrome. Also called: Neoplastic Syndromes, Hereditary; Tumor predisposition; Hereditary Cancer Syndrome; Hereditary neoplastic syndrome. Identifiers: Orphanet 140162, MedGen C0027672, MeSH D009386, MONDO:0015356.

Submission:

Ambry Genetics
Classification: Pathogenic for Hereditary cancer-predisposing syndrome. Last evaluated: 2018-07-19. Review status: criteria provided, single submitter. Criteria: Ambry Variant Classification Scheme 2023. Collection method: clinical testing. Allele origin: germline.
Comment: The c.1081_1085delCGCCC pathogenic mutation, located in coding exon 4 of the MSH6 gene, results from a deletion of 5 nucleotides at nucleotide positions 1081 to 1085, causing a translational frameshift with a predicted alternate stop codon (p.R361Yfs*6). This alteration is expected to result in loss of function by premature protein truncation or nonsense-mediated mRNA decay. As such, this alteration is interpreted as a disease-causing mutation.

NM_000179.3(MSH6):c.1081_1085del (p.Arg361fs)

Gene: MSH6 (mutS homolog 6; plus strand). Cytogenetic location: 2p16.3.
Variant type: Deletion.
Coding change: c.1081_1085del on transcript NM_000179.3 (MANE Select); coding-DNA positions 1081 to 1085, 5 bases deleted (CGCCC; older notation c.1081_1085delCGCCC).
Protein change: p.Arg361fs; shifts the reading frame from arginine 361.
Molecular consequence: frameshift variant.
Genome position (GRCh38, 1-based): chr2:47,799,064-47,799,068, CGCCC deleted. VCF-style (leftmost placement, unchanged base first): chr2-47799063-TCGCCC-T. GRCh37 (hg19) VCF-style: chr2-48026202-TCGCCC-T.
Other names: c.691_695del, p.Arg231fs (NM_001281492.2); c.175_179del, p.Arg59fs (NM_001281493.2, NM_001281494.2); c.1177_1181delCGCCC, p.Arg393Tyrfs (NM_001406795.1, NM_001406802.1); c.1081_1085delCGCCC, p.Arg361Tyrfs (NM_001406796.1, NM_001406798.1, NM_001406800.1 and 4 more transcripts); c.784_788delCGCCC, p.Arg262Tyrfs (NM_001406797.1, NM_001406801.1, NM_001406805.1 and 10 more transcripts); c.556_560delCGCCC, p.Arg186Tyrfs (NM_001406799.1, NM_001406806.1, NM_001406807.1); c.1003_1007delCGCCC, p.Arg335Tyrfs (NM_001406804.1); c.175_179delCGCCC, p.Arg59Tyrfs (NM_001406811.1, NM_001406812.1, NM_001406814.1 and 4 more transcripts); and 2 more; short protein forms R361fs, R231fs, R59fs.
Identifiers: ClinVar variation 1786467 (VCV001786467.2), dbSNP rs2530588057, ClinGen allele CA2580067309.
Genomic context (GRCh38, chr2:47,799,063, plus strand): 5'-CTCTGCCCCTCAAAATTCTGAATCCCAAGCCCACGTTAGTGGAGGTGGTGATGACAGTAG[TCGCCC>T]TACTGTTTGGTATCATGAAACTTTAGAATGGCTTAAGGAGGAAAAGAGAAGAGATGAGCA-3'